The following is an entry in ClinVar:

NM_001191061.2(SLC25A22):c.274C>T (p.His92Tyr)

Gene: SLC25A22 (solute carrier family 25 member 22; minus strand). Cytogenetic location: 11p15.5.
Variant type: single nucleotide variant.
Coding change: c.274C>T on transcript NM_001191061.2 (MANE Select); coding-DNA position 274, C replaced by T.
Protein change: p.His92Tyr; replaces histidine 92 with tyrosine.
Molecular consequence: missense variant.
Genome position (GRCh38, 1-based): chr11:793,548, G>A on the plus strand (C>T on the coding strand, the complement: SLC25A22 is on the minus strand). VCF-style: chr11-793548-G-A. GRCh37 (hg19) VCF-style: chr11-793548-G-A.
Other names: c.274C>T, p.His92Tyr (NM_001191060.2, NM_024698.6); short protein forms H92Y.
Identifiers: ClinVar variation 1463959 (VCV001463959.7), dbSNP rs2133706277, ClinGen allele CA378920831.

ClinVar aggregate classification (germline): Uncertain significance (1 of 4 stars; one submission).

Conditions:
Early-infantile DEE. Also called: Early infantile epileptic encephalopathy; Ohtahara syndrome; Early infantile epileptic encephalopathy with suppression bursts. Identifiers: Orphanet 1934, MedGen C0393706, MONDO:0800491.

Submission:

Labcorp Genetics (formerly Invitae), Labcorp
Classification: Uncertain significance for Early-infantile DEE. Last evaluated: 2021-12-03. Review status: criteria provided, single submitter. Criteria: Invitae Variant Classification Sherloc (09022015). Collection method: clinical testing. Allele origin: germline.
Comment: This variant has not been reported in the literature in individuals affected with SLC25A22-related conditions. This sequence change replaces histidine, which is basic and polar, with tyrosine, which is neutral and polar, at codon 92 of the SLC25A22 protein (p.His92Tyr). This variant is not present in population databases (gnomAD no frequency). Algorithms developed to predict the effect of missense changes on protein structure and function output the following: SIFT: "Tolerated"; PolyPhen-2: "Benign"; Align-GVGD: "Class C0". The tyrosine amino acid residue is found in multiple mammalian species, which suggests that this missense change does not adversely affect protein function. In summary, the available evidence is currently insufficient to determine the role of this variant in disease. Therefore, it has been classified as a Variant of Uncertain Significance.